The following is an entry in ClinVar:

ClinVar aggregate classification (germline): Benign. Review status: criteria provided, multiple submitters, no conflicts (2 of 4 stars). 10 submissions from 10 submitters: Benign (7). 3 of the submissions do not count toward it. Last evaluated 2026-02-04.

Conditions:
Cardiovascular phenotype. Identifiers: MedGen CN230736.
Hypertrophic cardiomyopathy 19. Also called: Familial hypertrophic cardiomyopathy 19. Identifiers: MedGen CN077603, MONDO:0013476.

Allele frequency attached by ClinVar (database versions not stated): 1000 Genomes Project 0.65895; 1000 Genomes Project 30x 0.65928; gnomAD 0.66498 and 0.66852; ESP Exome Variant Server 0.66800; TOPMed 0.67252; gnomAD exomes 0.69623 and 0.70314; ExAC 0.70145.
gnomAD v4.1: 1,119,556 of 1,613,596 alleles (69%); highest among the groups gnomAD compares: Middle Eastern, 77%; 390,319 homozygotes.

Submissions (10):

Labcorp Genetics (formerly Invitae), Labcorp
Classification: Benign for Hypertrophic cardiomyopathy 19. Last evaluated: 2026-02-04. Review status: criteria provided, single submitter. Criteria: Invitae Variant Classification Sherloc (09022015). Collection method: clinical testing. Allele origin: germline.

Blueprint Genetics
Classification: Benign. Last evaluated: 2024-11-28. Review status: criteria provided, single submitter. Criteria: ACMG Guidelines, 2015. Collection method: clinical testing. Allele origin: germline.

GeneDx
Classification: Benign. Last evaluated: 2017-10-26. Review status: criteria provided, single submitter. Criteria: GeneDx Variant Classification (06012015). Collection method: clinical testing. Allele origin: germline. Affected: yes.
Comment: This variant is considered likely benign or benign based on one or more of the following criteria: it is a conservative change, it occurs at a poorly conserved position in the protein, it is predicted to be benign by multiple in silico algorithms, and/or has population frequency not consistent with disease.

Women's Health and Genetics/Laboratory Corporation of America, LabCorp
Classification: Benign. Last evaluated: 2017-08-23. Review status: criteria provided, single submitter. Criteria: LabCorp Variant Classification Summary - May 2015. Collection method: clinical testing. Allele origin: germline.
Comment: Variant summary: The CALR3 c.381G>A (p.Gln127Gln) variant involves the alteration of a non-conserved nucleotide, resulting in a synonymous change. Mutation taster predicts a polymorphism outcome for this variant. 5/5 splice prediction tools predict no significant impact on normal splicing. ESE finder predicts that this variant may affect binding of ESE site(s). However, these predictions have yet to be confirmed by functional studies. This variant was found in 85146/121386 control chromosomes (30119 homozygotes) at a frequency of 0.7014483, which is approximately 28058 times the estimated maximal expected allele frequency of a pathogenic CALR3 variant (0.000025), thus this variant is a common benign polymorphism. Allele A is the major allele at this position. To our knowledge, this variant has not been reported in affected individuals in literature. Taken together, this variant is classified as benign.

Clinical Genetics DNA and cytogenetics Diagnostics Lab, Erasmus MC, Erasmus Medical Center
Classification: Benign for Hypertrophic cardiomyopathy 1. Last evaluated: 2015-09-21. Review status: criteria provided, single submitter. Criteria: ACGS Guidelines, 2013. Collection method: clinical testing. Allele origin: germline. Affected: yes. Study: VKGL Data-share Consensus.

Ambry Genetics
Classification: Benign for Cardiovascular phenotype. Last evaluated: 2012-07-11. Review status: criteria provided, single submitter. Criteria: Ambry Autosomal Dominant and X-Linked criteria (10/2015). Collection method: clinical testing. Allele origin: germline. Observed: 1 variant allele.

Breakthrough Genomics
Classification: Benign. Review status: criteria provided, single submitter. Criteria: ACMG Guidelines, 2015. Collection method: not provided. Allele origin: germline. Inheritance: Unknown mechanism. Affected: yes.

Clinical Genetics, Academic Medical Center
Classification: Benign. Review status: no assertion criteria provided. Collection method: clinical testing. Allele origin: germline. Affected: yes. Study: VKGL Data-share Consensus. Not counted in ClinVar's aggregate classification.

Diagnostic Laboratory, Department of Genetics, University Medical Center Groningen
Classification: Benign for Hypertrophic cardiomyopathy 1. Review status: no assertion criteria provided. Collection method: clinical testing. Allele origin: germline. Affected: yes. Study: VKGL Data-share Consensus. Not counted in ClinVar's aggregate classification.

Joint Genome Diagnostic Labs from Nijmegen and Maastricht, Radboudumc and MUMC+
Classification: Benign. Review status: no assertion criteria provided. Collection method: clinical testing. Allele origin: germline. Affected: yes. Study: VKGL Data-share Consensus. Not counted in ClinVar's aggregate classification.

NM_145046.5(CALR3):c.381G>A (p.Gln127=)

Gene: CALR3 (calreticulin 3; minus strand). Cytogenetic location: 19p13.11.
Variant type: single nucleotide variant.
Coding change: c.381G>A on transcript NM_145046.5 (MANE Select); coding-DNA position 381, G replaced by A.
Protein change: p.Gln127=; no amino-acid change (glutamine 127 retained).
Molecular consequence: synonymous variant.
Genome position (GRCh38, 1-based): chr19:16,490,383, C>T on the plus strand (G>A on the coding strand, the complement: CALR3 is on the minus strand). VCF-style: chr19-16490383-C-T. GRCh37 (hg19) VCF-style: chr19-16601194-C-T.
Identifiers: ClinVar variation 496546 (VCV000496546.19), dbSNP rs3810198, ClinGen allele CA9278435.